The following is an entry in ClinVar:

ClinVar aggregate classification (germline): Benign/Likely benign. Review status: criteria provided, multiple submitters, no conflicts (2 of 4 stars). 4 submissions from 4 submitters: Benign (1); Likely benign (2). 1 of the submissions does not count toward it. Last evaluated 2025-12-19.

Conditions:
MLYCD-related disorder. Also called: MLYCD-related condition.
Deficiency of malonyl-CoA decarboxylase. Also called: Malonic aciduria; MCD deficiency. Identifiers: Orphanet 943, MedGen C0342793, MONDO:0009556, OMIM 248360.

Allele frequency attached by ClinVar (database versions not stated): gnomAD exomes 0.00019; ExAC 0.00029; 1000 Genomes Project 30x 0.00031; ESP Exome Variant Server 0.00042; TOPMed 0.00083; gnomAD 0.00088 and 0.00096.
gnomAD v4.1: 280 of 1,588,760 alleles (0.018%); highest among the groups gnomAD compares: African/African-American, 0.3%; no homozygotes.

Submissions (4):

Labcorp Genetics (formerly Invitae), Labcorp
Classification: Benign for Deficiency of malonyl-CoA decarboxylase. Last evaluated: 2025-12-19. Review status: criteria provided, single submitter. Criteria: Invitae Variant Classification Sherloc (09022015). Collection method: clinical testing. Allele origin: germline.

Blueprint Genetics
Classification: Likely benign. Last evaluated: 2024-10-16. Review status: criteria provided, single submitter. Criteria: ACMG Guidelines, 2015. Collection method: clinical testing. Allele origin: germline.

GeneDx
Classification: Likely benign. Last evaluated: 2016-05-25. Review status: criteria provided, single submitter. Criteria: GeneDx Variant Classification (06012015). Collection method: clinical testing. Allele origin: germline. Affected: yes.
Comment: This variant is considered likely benign or benign based on one or more of the following criteria: it is a conservative change, it occurs at a poorly conserved position in the protein, it is predicted to be benign by multiple in silico algorithms, and/or has population frequency not consistent with disease.

PreventionGenetics, part of Exact Sciences
Classification: Likely benign for MLYCD-related condition. Last evaluated: 2019-10-07. Review status: no assertion criteria provided. Collection method: clinical testing. Allele origin: germline. Not counted in ClinVar's aggregate classification.
Comment: This variant is classified as likely benign based on ACMG/AMP sequence variant interpretation guidelines (Richards et al. 2015 PMID: 25741868, with internal and published modifications).

NM_012213.3(MLYCD):c.375C>G (p.Ala125=)

Gene: MLYCD (malonyl-CoA decarboxylase; plus strand). Cytogenetic location: 16q23.3.
Variant type: single nucleotide variant.
Coding change: c.375C>G on transcript NM_012213.3 (MANE Select); coding-DNA position 375, C replaced by G.
Protein change: p.Ala125=; no amino-acid change (alanine 125 retained).
Molecular consequence: synonymous variant.
Genome position (GRCh38, 1-based): chr16:83,899,519, C>G. VCF-style: chr16-83899519-C-G. GRCh37 (hg19) VCF-style: chr16-83933124-C-G.
Identifiers: ClinVar variation 386040 (VCV000386040.15), dbSNP rs375657338, ClinGen allele CA8197205.
Genomic context (GRCh38, chr16:83,899,519, plus strand): 5'-GAGCGCCGGCGTGCTCCATCTGCGCCAGCAGCAGCGGGAGGCGGCGGTGCTGCTGCAGGC[C>G]GAGGACCGGCTGCGCTACGCGCTGGTGCCGCGCTATCGCGGCCTCTTCCACCACATCAGC-3'
Protein context (NP_036345.2, residues 115-135): QQREAAVLLQ[Ala125=]EDRLRYALVP